The following is an entry in ClinVar:

ClinVar aggregate classification (germline): Uncertain significance (1 of 4 stars; one submission).

Submission:

GeneDx
Classification: Uncertain significance. Last evaluated: 2026-02-19. Review status: criteria provided, single submitter. Criteria: GeneDx Variant Classification Process June 2021. Collection method: clinical testing. Allele origin: germline.
Comment: Not observed at significant frequency in large population cohorts (gnomAD); In silico analysis suggests that this missense variant does not alter protein structure/function; Has not been previously published as pathogenic or benign to our knowledge

NM_002641.4(PIGA):c.1281C>G (p.Ile427Met)

Gene: PIGA (phosphatidylinositol glycan anchor biosynthesis class A; minus strand). Cytogenetic location: Xp22.2.
Variant type: single nucleotide variant.
Coding change: c.1281C>G on transcript NM_002641.4 (MANE Select); coding-DNA position 1281, C replaced by G.
Protein change: p.Ile427Met; replaces isoleucine 427 with methionine.
Molecular consequence: missense variant. On other transcripts: non-coding transcript variant (4).
Genome position (GRCh38, 1-based): chrX:15,321,680, G>C on the plus strand (C>G on the coding strand, the complement: PIGA is on the minus strand). VCF-style: chrX-15321680-G-C. GRCh37 (hg19) VCF-style: chrX-15339802-G-C.
Other names: c.1374C>G, p.Ile458Met (NM_001440789.1); c.672C>G, p.Ile224Met (NM_001440790.1); c.579C>G, p.Ile193Met (NM_020473.3); short protein forms I193M, I458M, I427M, I224M.
Identifiers: ClinVar variation 5009626 (VCV005009626.1).